The following is an entry in ClinVar:

NC_000002.11:g.(?_233127907)_(233128160_?)dup

Gene: DIS3L2 (DIS3 like 3'-5' exoribonuclease 2; plus strand). Cytogenetic location: 2q37.1.
Variant type: Duplication.
Identifiers: ClinVar variation 1016275 (VCV001016275.3).

ClinVar aggregate classification (germline): Uncertain significance (1 of 4 stars; one submission).

Conditions:
Perlman syndrome (PRLMNS). Identifiers: Orphanet 2849, MedGen C0796113, MONDO:0009965, OMIM 267000.

Submission:

Labcorp Genetics (formerly Invitae), Labcorp
Classification: Uncertain significance for Perlman syndrome. Last evaluated: 2022-03-13. Review status: criteria provided, single submitter. Criteria: Invitae Variant Classification Sherloc (09022015). Collection method: clinical testing. Allele origin: germline.
Comment: In summary, the available evidence is currently insufficient to determine the role of this variant in disease. Therefore, it has been classified as a Variant of Uncertain Significance. Experimental studies and prediction algorithms are not available or were not evaluated, and the functional significance of this variant is currently unknown. This variant has not been reported in the literature in individuals affected with DIS3L2-related conditions. This variant results in a copy number gain of the genomic region encompassing exon(s) 13 of the DIS3L2 gene. While the exact position of this variant cannot be determined from the data, sub-genic copy number gains are generally in tandem (PMID: 25640679). This variant is predicted to be in-frame, and likely preserves the integrity of the reading frame.

Literature cited by the submitters: PubMed 25640679.